The following is an entry in ClinVar:

NM_001267550.2(TTN):c.59345-7A>G

Genes: TTN (titin; minus strand), TTN-AS1 (TTN antisense RNA 1; plus strand), LOC126806424 (CDK7 strongly-dependent group 2 enhancer GRCh37_chr2:179456337-179457536; plus strand). Cytogenetic location: 2q31.2.
Variant type: single nucleotide variant.
Coding change: c.59345-7A>G on transcript NM_001267550.2 (MANE Select); 7 bases into the intron before coding-DNA position 59345, A replaced by G.
Molecular consequence: intron variant.
Genome position (GRCh38, 1-based): chr2:178,592,667, T>C on the plus strand (A>G on the coding strand, the complement: TTN is on the minus strand). VCF-style: chr2-178592667-T-C. GRCh37 (hg19) VCF-style: chr2-179457394-T-C.
Other names: c.32150-7A>G (NM_003319.4); c.32726-7A>G (NM_133437.4); c.32525-7A>G (NM_133432.3); c.51641-7A>G (NM_133378.4); c.54422-7A>G (NM_001256850.1).
Identifiers: ClinVar variation 4983234 (VCV004983234.1).

ClinVar aggregate classification (germline): Likely benign (1 of 4 stars; one submission).

Conditions:
TTN-related disorder. Also called: TTN-related disorders; TTN-related condition; TTN-related disease.

Submission:

PreventionGenetics, part of Exact Sciences
Classification: Likely benign for TTN-related condition. Last evaluated: 2025-07-21. Review status: criteria provided, single submitter. Criteria: ACMG Guidelines, 2015. Collection method: clinical testing. Allele origin: germline.
Comment: This variant is classified as likely benign based on ACMG/AMP sequence variant interpretation guidelines (Richards et al. 2015 PMID: 25741868, with internal and published modifications).